The following is an entry in ClinVar:

ClinVar aggregate classification (germline): Uncertain significance (1 of 4 stars; one submission).

Conditions:
Cardiovascular phenotype. Identifiers: MedGen CN230736.

Submission:

Ambry Genetics
Classification: Uncertain significance for Cardiovascular phenotype. Last evaluated: 2024-08-19. Review status: criteria provided, single submitter. Criteria: Ambry Variant Classification Scheme 2023. Collection method: clinical testing. Allele origin: germline.
Comment: The p.L485P variant (also known as c.1454T>C), located in coding exon 8 of the EPHB4 gene, results from a T to C substitution at nucleotide position 1454. The leucine at codon 485 is replaced by proline, an amino acid with similar properties. This amino acid position is conserved. In addition, the in silico prediction for this alteration is inconclusive. Based on the available evidence, the clinical significance of this variant remains unclear.

NM_004444.5(EPHB4):c.1454T>C (p.Leu485Pro)

Gene: EPHB4 (EPH receptor B4; minus strand). Cytogenetic location: 7q22.1.
Variant type: single nucleotide variant.
Coding change: c.1454T>C on transcript NM_004444.5 (MANE Select); coding-DNA position 1454, T replaced by C.
Protein change: p.Leu485Pro; replaces leucine 485 with proline.
Molecular consequence: missense variant.
Genome position (GRCh38, 1-based): chr7:100,817,326, A>G on the plus strand (T>C on the coding strand, the complement: EPHB4 is on the minus strand). VCF-style: chr7-100817326-A-G. GRCh37 (hg19) VCF-style: chr7-100414948-A-G.
Other names: short protein forms L485P.
Identifiers: ClinVar variation 3509388 (VCV003509388.1).